The following is an entry in ClinVar:

ClinVar aggregate classification (germline): Uncertain significance. Review status: criteria provided, multiple submitters, no conflicts (2 of 4 stars). 2 submissions from 2 submitters: Uncertain significance (2). Last evaluated 2023-09-23.

Conditions:
Inborn genetic diseases. Identifiers: MedGen C0950123, MeSH D030342.

Submissions (2):

Ambry Genetics
Classification: Uncertain significance for Inborn genetic diseases. Last evaluated: 2023-09-23. Review status: criteria provided, single submitter. Criteria: Ambry Variant Classification Scheme 2023. Collection method: clinical testing. Allele origin: germline.
Comment: The p.N1135S variant (also known as c.3404A>G), located in coding exon 17 of the ATR gene, results from an A to G substitution at nucleotide position 3404. The asparagine at codon 1135 is replaced by serine, an amino acid with highly similar properties. This amino acid position is conserved. In addition, this alteration is predicted to be tolerated by in silico analysis. Since supporting evidence is limited at this time, the clinical significance of this alteration remains unclear.

Labcorp Genetics (formerly Invitae), Labcorp
Classification: Uncertain significance. Last evaluated: 2021-10-13. Review status: criteria provided, single submitter. Criteria: Invitae Variant Classification Sherloc (09022015). Collection method: clinical testing. Allele origin: germline.
Comment: In summary, the available evidence is currently insufficient to determine the role of this variant in disease. Therefore, it has been classified as a Variant of Uncertain Significance. Algorithms developed to predict the effect of sequence changes on RNA splicing suggest that this variant may create or strengthen a splice site. Algorithms developed to predict the effect of missense changes on protein structure and function are either unavailable or do not agree on the potential impact of this missense change (SIFT: "Tolerated"; PolyPhen-2: "Probably Damaging"; Align-GVGD: "Class C0"). This variant has not been reported in the literature in individuals affected with ATR-related conditions. This variant is not present in population databases (ExAC no frequency). This sequence change replaces asparagine with serine at codon 1135 of the ATR protein (p.Asn1135Ser). The asparagine residue is moderately conserved and there is a small physicochemical difference between asparagine and serine.

NM_001184.4(ATR):c.3404A>G (p.Asn1135Ser)

Gene: ATR (ATR checkpoint kinase; minus strand). Cytogenetic location: 3q23.
Variant type: single nucleotide variant.
Coding change: c.3404A>G on transcript NM_001184.4 (MANE Select); coding-DNA position 3404, A replaced by G.
Protein change: p.Asn1135Ser; replaces asparagine 1135 with serine.
Molecular consequence: missense variant.
Genome position (GRCh38, 1-based): chr3:142,542,711, T>C on the plus strand (A>G on the coding strand, the complement: ATR is on the minus strand). VCF-style: chr3-142542711-T-C. GRCh37 (hg19) VCF-style: chr3-142261553-T-C.
Other names: c.3212A>G, p.Asn1071Ser (NM_001354579.2); c.3404A>G (NM_001184.3); short protein forms N1135S, N1071S.
Identifiers: ClinVar variation 1525052 (VCV001525052.7), dbSNP rs2108441292, ClinGen allele CA354809303.
Genomic context (GRCh38, chr3:142,542,711, plus strand): 5'-CTATCACCACTTACCATTTTCTTATCTTCAATGCCAACACTAGAGCTCAGTAACTGCATG[T>C]TAAAAAAAGCCAAAATGCCCAACAATTTGGGTTGTAAATAATCAGCCTAAGAAATAAAAA-3'
Protein context (NP_001175.2, residues 1125-1145): PKLLGILAFF[Asn1135Ser]MQLLSSSVGI